The following is an entry in ClinVar:

ClinVar aggregate classification (germline): Likely benign. Review status: criteria provided, multiple submitters, no conflicts (2 of 4 stars). 3 submissions from 3 submitters: Likely benign (3). Last evaluated 2026-01-19.

Conditions:
Autosomal recessive limb-girdle muscular dystrophy type 2J (LGMDR10). Also called: Limb-girdle muscular dystrophy, type 2J; MUSCULAR DYSTROPHY, LIMB-GIRDLE, AUTOSOMAL RECESSIVE 10. Identifiers: Orphanet 140922, MedGen C1837342, MONDO:0012127, OMIM 608807.
Dilated cardiomyopathy 1G (CMD1G). Identifiers: Orphanet 154, MedGen C1858763, MONDO:0011400, OMIM 604145.

Allele frequency attached by ClinVar (database versions not stated): gnomAD 0.00001; gnomAD exomes 0.00001; ExAC 0.00002; TOPMed 0.00002; ESP Exome Variant Server 0.00008.
gnomAD v4.1: 11 of 1,610,060 alleles (0.00068%); highest among the groups gnomAD compares: African/African-American, 0.0027%; no homozygotes.

Submissions (4):

Labcorp Genetics (formerly Invitae), Labcorp
Classification: Likely benign for Dilated cardiomyopathy 1G; Autosomal recessive limb-girdle muscular dystrophy type 2J. Last evaluated: 2026-01-19. Review status: criteria provided, single submitter. Criteria: Invitae Variant Classification Sherloc (09022015). Collection method: clinical testing. Allele origin: germline.

Blueprint Genetics
Classification: Likely benign. Last evaluated: 2023-04-24. Review status: criteria provided, single submitter. Criteria: ACMG Guidelines, 2015. Collection method: clinical testing. Allele origin: germline.

GeneDx
Classification: Likely benign. Last evaluated: 2017-02-20. Review status: criteria provided, single submitter. Criteria: GeneDx Variant Classification (06012015). Collection method: clinical testing. Allele origin: germline. Affected: yes.
Comment: This variant is considered likely benign or benign based on one or more of the following criteria: it is a conservative change, it occurs at a poorly conserved position in the protein, it is predicted to be benign by multiple in silico algorithms, and/or has population frequency not consistent with disease.

Dr. Peter K. Rogan Lab, Western University
No classification provided (evidence only). Condition: Gastric cancer. Review status: no classification provided. Collection method: in vitro. Allele origin: not applicable. Functional consequence: retained intron. Not counted in ClinVar's aggregate classification.

NM_001267550.2(TTN):c.56106T>G (p.Val18702=)

Genes: TTN-AS1 (TTN antisense RNA 1; plus strand), TTN (titin; minus strand). Cytogenetic location: 2q31.2.
Variant type: single nucleotide variant.
Coding change: c.56106T>G on transcript NM_001267550.2 (MANE Select); coding-DNA position 56106, T replaced by G.
Protein change: p.Val18702=; no amino-acid change (valine 18702 retained).
Molecular consequence: synonymous variant.
Genome position (GRCh38, 1-based): chr2:178,599,795, A>C on the plus strand (T>G on the coding strand, the complement: TTN is on the minus strand). VCF-style: chr2-178599795-A-C. GRCh37 (hg19) VCF-style: chr2-179464522-A-C.
Other names: c.51183T>G, p.Val17061= (NM_001256850.1); c.28911T>G, p.Val9637= (NM_003319.4); c.48402T>G, p.Val16134= (NM_133378.4); c.29286T>G, p.Val9762= (NM_133432.3); c.29487T>G, p.Val9829= (NM_133437.4).
Identifiers: ClinVar variation 413145 (VCV000413145.11), dbSNP rs371043153, ClinGen allele CA1993308.
Genomic context (GRCh38, chr2:178,599,795, plus strand): 5'-AGGAGCTTTAAACCAGGTTAGTGTCGGGAATGGCACACCTTTAATTTTGGCCACAATGTT[A>C]ACATTGGTTCCTTCTTCAACCTCCATGAATTCTTTTAGATCAATTGATGGTGGGCCTAGA-3'
Protein context (NP_001254479.2, residues 18692-18712): EFMEVEEGTN[Val18702=]NIVAKIKGVP